The following is an entry in ClinVar:

ClinVar aggregate classification (germline): Conflicting classifications of pathogenicity. Review status: criteria provided, conflicting classifications (1 of 4 stars). 2 submissions from 2 submitters: Pathogenic (1); Uncertain significance (1). Last evaluated 2023-01-14.

Conditions:
Aortic aneurysm, familial thoracic 9 (AAT9). Identifiers: MedGen C4015368, MONDO:0014514, OMIM 616166.

Allele frequency attached by ClinVar (database versions not stated): gnomAD exomes below 0.00001; TOPMed 0.00001.

Submissions (2):

Labcorp Genetics (formerly Invitae), Labcorp
Classification: Uncertain significance. Last evaluated: 2023-01-14. Review status: criteria provided, single submitter. Criteria: Invitae Variant Classification Sherloc (09022015). Collection method: clinical testing. Allele origin: germline.
Comment: In summary, the available evidence is currently insufficient to determine the role of this variant in disease. Therefore, it has been classified as a Variant of Uncertain Significance. ClinVar contains an entry for this variant (Variation ID: 1033583). This variant has not been reported in the literature in individuals affected with MFAP5-related conditions. This variant is not present in population databases (gnomAD no frequency). This sequence change affects the initiator methionine of the MFAP5 mRNA. The next in-frame methionine is located at codon 116.

Baylor Genetics
Classification: Pathogenic for Aortic aneurysm, familial thoracic 9. Last evaluated: 2018-06-25. Review status: criteria provided, single submitter. Criteria: ACMG Guidelines, 2015. Collection method: clinical testing. Allele origin: unknown. Affected: yes.
Comment: This variant was determined to be pathogenic according to ACMG Guidelines, 2015 [PMID:25741868].

NM_003480.4(MFAP5):c.2T>C (p.Met1Thr)

Gene: MFAP5 (microfibril associated protein 5; minus strand). Cytogenetic location: 12p13.31.
Variant type: single nucleotide variant.
Coding change: c.2T>C on transcript NM_003480.4 (MANE Select); coding-DNA position 2, T replaced by C.
Protein change: p.Met1Thr; changes the start codon (methionine 1).
Molecular consequence: missense variant, initiator codon variant. On other transcripts: non-coding transcript variant (2).
Genome position (GRCh38, 1-based): chr12:8,662,103, A>G on the plus strand (T>C on the coding strand, the complement: MFAP5 is on the minus strand). VCF-style: chr12-8662103-A-G. GRCh37 (hg19) VCF-style: chr12-8814699-A-G.
Other names: c.2T>C, p.Met1Thr (NM_001297709.2, NM_001297710.2, NM_001297711.2 and 1 more transcripts); short protein forms M1T.
Identifiers: ClinVar variation 1033583 (VCV001033583.5), dbSNP rs1942169361, ClinGen allele CA384039776.